The following is an entry in ClinVar:

NM_000322.5(PRPH2):c.995T>A (p.Val332Glu)

Gene: PRPH2 (peripherin 2; minus strand). Cytogenetic location: 6p21.1.
Variant type: single nucleotide variant.
Coding change: c.995T>A on transcript NM_000322.5 (MANE Select); coding-DNA position 995, T replaced by A.
Protein change: p.Val332Glu; replaces valine 332 with glutamic acid.
Molecular consequence: missense variant.
Genome position (GRCh38, 1-based): chr6:42,698,341, A>T on the plus strand (T>A on the coding strand, the complement: PRPH2 is on the minus strand). VCF-style: chr6-42698341-A-T. GRCh37 (hg19) VCF-style: chr6-42666079-A-T.
Other names: short protein forms V332E.
Identifiers: ClinVar variation 636192 (VCV000636192.14), dbSNP rs1582759492, ClinGen allele CA364132724.

ClinVar aggregate classification (germline): Conflicting classifications of pathogenicity. Review status: criteria provided, conflicting classifications (1 of 4 stars). 6 submissions from 6 submitters: Likely pathogenic (2); Uncertain significance (2). 2 of the submissions do not count toward it. Last evaluated 2025-12-17.

Conditions:
Vitelliform macular dystrophy 3 (VMD3). Also called: PRPH2 vitelliform macular dystrophy; vitelliform macular dystrophy caused by mutation in PRPH2. Identifiers: MedGen CN295869, MONDO:0024561, OMIM 608161.
Macular dystrophy. Identifiers: MedGen C0730292, HP:0007754.
PRPH2-related disorder. Also called: PRPH2-related condition; PRPH2-related disorders. Identifiers: MedGen CN239395.
Cone-rod dystrophy. Also called: Cone-rod degeneration; Cone/cone-rod dystrophy. Identifiers: Orphanet 1872, MedGen C4085590, MONDO:0015993, HP:0000548.

Allele frequency attached by ClinVar (database versions not stated): gnomAD exomes 0.00001.
gnomAD v4.1: 7 of 1,613,830 alleles (0.00043%); highest among the groups gnomAD compares: Non-Finnish European, 0.00059%; no homozygotes.

Submissions (6):

3billion
Classification: Uncertain significance for Vitelliform macular dystrophy 3. Last evaluated: 2025-12-17. Review status: criteria provided, single submitter. Criteria: ACMG Guidelines, 2015. Collection method: clinical testing. Allele origin: germline. Affected: yes.
Comment: The variant is observed at an extremely low frequency in the gnomAD v4.1.0 dataset (total allele frequency: <0.001%). Predicted Consequence/Location: Missense variant In silico tool predictions suggest no damaging effect of the variant on gene or gene product [REVEL: 0.29 (<0.4); 3Cnet: 0.04 (<0.1, specificity 0.84 and negative predicitive value 0.97)]. The same nucleotide change resulting in the same amino acid change has been previously reported to be associated with PRPH2-related disorder (ClinVar ID: VCV000636192). However, the evidence of pathogenicity is insufficient at this time. Therefore, this variant is classified as VUS according to the recommendation of ACMG/AMP guideline.

Labcorp Genetics (formerly Invitae), Labcorp
Classification: Likely pathogenic for PRPH2-related disorder. Last evaluated: 2025-10-11. Review status: criteria provided, single submitter. Criteria: Invitae Variant Classification Sherloc (09022015). Collection method: clinical testing. Allele origin: germline.
Comment: This sequence change replaces valine, which is neutral and non-polar, with glutamic acid, which is acidic and polar, at codon 332 of the PRPH2 protein (p.Val332Glu). This variant is not present in population databases (gnomAD no frequency). This missense change has been observed in individuals with clinical features of autosomal dominant PRPH2-related conditions (PMID: 30718709, 32531846; internal data). ClinVar contains an entry for this variant (Variation ID: 636192). Invitae Evidence Modeling of protein sequence and biophysical properties (such as structural, functional, and spatial information, amino acid conservation, physicochemical variation, residue mobility, and thermodynamic stability) has been performed for this missense variant. However, the output from this modeling did not meet the statistical confidence thresholds required to predict the impact of this variant on PRPH2 protein function. In summary, the currently available evidence indicates that the variant is pathogenic, but additional data are needed to prove that conclusively. Therefore, this variant has been classified as Likely Pathogenic.

Blueprint Genetics
Classification: Likely pathogenic for PRPH2-related disorders. Last evaluated: 2021-12-03. Review status: criteria provided, single submitter. Criteria: ACMG Guidelines, 2015. Collection method: clinical testing. Allele origin: germline. Affected: yes. Observed: 2 variant alleles.

NEI Ophthalmic Genomics Laboratory, National Institutes of Health
Classification: Uncertain significance for Cone-rod dystrophy. Last evaluated: 2020-01-07. Review status: criteria provided, single submitter. Criteria: ACMG Guidelines, 2015. Collection method: clinical testing. Allele origin: germline. Affected: yes.
Comment: The variant NM_000322.4:c.995T>A in the PRPH2 gene has been previously studied(PMID 30718709). This variant is listed in dbSNP and/or HGMD (CM192683). It is absent in gnomAD browser. It is not enriched in the PRPH2 disease cohort. We invoked ACMG criteria [PM2, PP3] and classified NM_000322.4:c.995T>A in the PRPH2 gene as a Variant of Uncertain Significance.

Leiden Open Variation Database
Classification: Uncertain significance. Last evaluated: 2021-04-06. Review status: no assertion criteria provided. Collection method: curation. Allele origin: germline. Affected: yes. Not counted in ClinVar's aggregate classification.
Comment: Curator: Global Variome, with Curator vacancy. Submitter to LOVD: Manon Peeters.

Department of Clinical Genetics, Copenhagen University Hospital, Rigshospitalet
Classification: Uncertain significance for Macular dystrophy. Last evaluated: 2018-04-01. Review status: no assertion criteria provided. Collection method: research. Allele origin: unknown. Affected: yes. Study: VeluxRD. Not counted in ClinVar's aggregate classification.

Literature cited by the submitters: PubMed 30718709 (cited by 3 submitters); PubMed 32531846 (cited by Labcorp Genetics (formerly Invitae), Labcorp and Leiden Open Variation Database).